The following is an entry in ClinVar:

ClinVar aggregate classification (germline): Benign. Review status: criteria provided, multiple submitters, no conflicts (2 of 4 stars). 3 submissions from 3 submitters: Benign (2). 1 of the submissions does not count toward it. Last evaluated 2026-01-22.

Conditions:
FBN3-related disorder. Also called: FBN3-related condition.

Allele frequency attached by ClinVar (database versions not stated): gnomAD exomes 0.00048 and 0.00103; ExAC 0.00228; 1000 Genomes Project 30x 0.00375; 1000 Genomes Project 0.00379; TOPMed 0.00472; gnomAD 0.00400 and 0.00379; ESP Exome Variant Server 0.00409.
gnomAD v4.1: 1,232 of 1,517,530 alleles (0.081%); highest among the groups gnomAD compares: African/African-American, 1.4%; 7 homozygotes.

Submissions (3):

Labcorp Genetics (formerly Invitae), Labcorp
Classification: Benign. Last evaluated: 2026-01-22. Review status: criteria provided, single submitter. Criteria: Invitae Variant Classification Sherloc (09022015). Collection method: clinical testing. Allele origin: germline.

Breakthrough Genomics
Classification: Benign. Review status: criteria provided, single submitter. Criteria: ACMG Guidelines, 2015. Collection method: not provided. Allele origin: germline. Inheritance: Unknown mechanism. Affected: yes.

PreventionGenetics, part of Exact Sciences
Classification: Benign for FBN3-related condition. Last evaluated: 2019-02-18. Review status: no assertion criteria provided. Collection method: clinical testing. Allele origin: germline. Not counted in ClinVar's aggregate classification.
Comment: This variant is classified as benign based on ACMG/AMP sequence variant interpretation guidelines (Richards et al. 2015 PMID: 25741868, with internal and published modifications).

NM_032447.5(FBN3):c.1576G>A (p.Gly526Ser)

Gene: FBN3 (fibrillin 3; minus strand). Cytogenetic location: 19p13.2.
Variant type: single nucleotide variant.
Coding change: c.1576G>A on transcript NM_032447.5 (MANE Select); coding-DNA position 1576, G replaced by A.
Protein change: p.Gly526Ser; replaces glycine 526 with serine.
Molecular consequence: missense variant.
Genome position (GRCh38, 1-based): chr19:8,135,976, C>T on the plus strand (G>A on the coding strand, the complement: FBN3 is on the minus strand). VCF-style: chr19-8135976-C-T. GRCh37 (hg19) VCF-style: chr19-8200860-C-T.
Other names: c.1576G>A, p.Gly526Ser (NM_001321431.2); c.1576G>A (NM_001321431.1); short protein forms G526S.
Identifiers: ClinVar variation 768961 (VCV000768961.12), dbSNP rs115112939, ClinGen allele CA9153272.